The following is an entry in ClinVar:

NM_001903.5(CTNNA1):c.2629G>A (p.Glu877Lys)

Gene: CTNNA1 (catenin alpha 1; plus strand). Cytogenetic location: 5q31.2.
Variant type: single nucleotide variant.
Coding change: c.2629G>A on transcript NM_001903.5 (MANE Select); coding-DNA position 2629, G replaced by A.
Protein change: p.Glu877Lys; replaces glutamic acid 877 with lysine.
Molecular consequence: missense variant. On other transcripts: 3 prime UTR variant (5).
Genome position (GRCh38, 1-based): chr5:138,933,997, G>A. VCF-style: chr5-138933997-G-A. GRCh37 (hg19) VCF-style: chr5-138269686-G-A.
Other names: c.*174G>A (NM_001290307.3, NM_001324002.1, NM_001324003.1 and 2 more transcripts); c.2320G>A, p.Glu774Lys (NM_001290309.3); c.2260G>A, p.Glu754Lys (NM_001290310.3); c.1519G>A, p.Glu507Lys (NM_001290312.1, NM_001323987.1, NM_001323988.1 and 12 more transcripts); c.2629G>A, p.Glu877Lys (NM_001323982.2, NM_001323983.1, NM_001323984.2); c.2602G>A, p.Glu868Lys (NM_001323985.2); c.2536G>A, p.Glu846Lys (NM_001323986.2); c.1384G>A, p.Glu462Lys (NM_001324001.1); and 3 more; short protein forms E394K, E462K, E754K, E868K, E476K, E846K, E877K, E426K.
Identifiers: ClinVar variation 1513258 (VCV001513258.8), dbSNP rs2150359897, ClinGen allele CA361135641.

ClinVar aggregate classification (germline): Uncertain significance (1 of 4 stars; one submission).

gnomAD v4.1: 2 of 1,614,162 alleles (0.00012%); highest among the groups gnomAD compares: Non-Finnish European, 0.00017%; no homozygotes.

Submission:

Labcorp Genetics (formerly Invitae), Labcorp
Classification: Uncertain significance. Last evaluated: 2021-02-08. Review status: criteria provided, single submitter. Criteria: Invitae Variant Classification Sherloc (09022015). Collection method: clinical testing. Allele origin: germline.
Comment: In summary, the available evidence is currently insufficient to determine the role of this variant in disease. Therefore, it has been classified as a Variant of Uncertain Significance. Algorithms developed to predict the effect of missense changes on protein structure and function are either unavailable or do not agree on the potential impact of this missense change (SIFT: "Deleterious"; PolyPhen-2: "Benign"; Align-GVGD: "Class C0"). This variant has not been reported in the literature in individuals with CTNNA1-related conditions. This variant is not present in population databases (ExAC no frequency). This sequence change replaces glutamic acid with lysine at codon 877 of the CTNNA1 protein (p.Glu877Lys). The glutamic acid residue is highly conserved and there is a small physicochemical difference between glutamic acid and lysine.